The following is an entry in ClinVar:

ClinVar aggregate classification (germline): Uncertain significance (1 of 4 stars; one submission).

Conditions:
Glutaric aciduria, type 1. Also called: Glutaric acidemia type I; Glutaricacidemia Type 1; Glutaricaciduria, type I; Glutaric Acidemia Type 1; GA I; Glutaryl-CoA dehydrogenase deficiency. Identifiers: Orphanet 25, MedGen C0268595, MONDO:0009281, OMIM 231670.

gnomAD v4.1: 4 of 1,613,948 alleles (0.00025%); highest among the groups gnomAD compares: Non-Finnish European, 0.00034%; no homozygotes.

Submission:

Labcorp Genetics (formerly Invitae), Labcorp
Classification: Uncertain significance for Glutaric aciduria, type 1. Last evaluated: 2024-07-31. Review status: criteria provided, single submitter. Criteria: Invitae Variant Classification Sherloc (09022015). Collection method: clinical testing. Allele origin: germline.
Comment: This sequence change replaces asparagine, which is neutral and polar, with aspartic acid, which is acidic and polar, at codon 406 of the GCDH protein (p.Asn406Asp). This variant is not present in population databases (gnomAD no frequency). This variant has not been reported in the literature in individuals affected with GCDH-related conditions. Advanced modeling of protein sequence and biophysical properties (such as structural, functional, and spatial information, amino acid conservation, physicochemical variation, residue mobility, and thermodynamic stability) has been performed at Invitae for this missense variant, however the output from this modeling did not meet the statistical confidence thresholds required to predict the impact of this variant on GCDH protein function. In summary, the available evidence is currently insufficient to determine the role of this variant in disease. Therefore, it has been classified as a Variant of Uncertain Significance.

NM_000159.4(GCDH):c.1216A>G (p.Asn406Asp)

Gene: GCDH (glutaryl-CoA dehydrogenase; plus strand). Cytogenetic location: 19p13.13.
Variant type: single nucleotide variant.
Coding change: c.1216A>G on transcript NM_000159.4 (MANE Select); coding-DNA position 1216, A replaced by G.
Protein change: p.Asn406Asp; replaces asparagine 406 with aspartic acid.
Molecular consequence: missense variant. On other transcripts: non-coding transcript variant (2).
Genome position (GRCh38, 1-based): chr19:12,897,836, A>G. VCF-style: chr19-12897836-A-G. GRCh37 (hg19) VCF-style: chr19-13008650-A-G.
Other names: c.1216A>G, p.Asn406Asp (NM_013976.5); short protein forms N406D.
Identifiers: ClinVar variation 3661007 (VCV003661007.2).